The following is an entry in ClinVar:

ClinVar aggregate classification (germline): Uncertain significance (1 of 4 stars; one submission).

Conditions:
Compton-North congenital myopathy (CMYO12). Identifiers: Orphanet 210163, MedGen C2675527, MONDO:0012929, OMIM 612540.

Allele frequency attached by ClinVar (database versions not stated): gnomAD exomes 0.00001.
gnomAD v4.1: 3 of 1,510,368 alleles (0.0002%); highest among the groups gnomAD compares: South Asian, 0.0034%; no homozygotes.

Submission:

Labcorp Genetics (formerly Invitae), Labcorp
Classification: Uncertain significance for Compton-North congenital myopathy. Last evaluated: 2019-05-09. Review status: criteria provided, single submitter. Criteria: Invitae Variant Classification Sherloc (09022015). Collection method: clinical testing. Allele origin: germline.
Comment: This sequence change falls in intron 11 of the CNTN1 gene. It does not directly change the encoded amino acid sequence of the CNTN1 protein, but it affects a nucleotide within the consensus splice site of the intron. This variant is not present in population databases (ExAC no frequency). This variant has not been reported in the literature in individuals with CNTN1-related disease. Nucleotide substitutions within the consensus splice site are a relatively common cause of aberrant splicing (PMID: 17576681, 9536098). Algorithms developed to predict the effect of sequence changes on RNA splicing suggest that this variant may disrupt the consensus splice site, but this prediction has not been confirmed by published transcriptional studies. In summary, the available evidence is currently insufficient to determine the role of this variant in disease. Therefore, it has been classified as a Variant of Uncertain Significance.

Literature cited by the submitters: PubMed 17576681; PubMed 9536098.

NM_001843.4(CNTN1):c.1228+4A>G

Gene: CNTN1 (contactin 1; plus strand). Cytogenetic location: 12q12.
Variant type: single nucleotide variant.
Coding change: c.1228+4A>G on transcript NM_001843.4 (MANE Select); 4 bases into the intron after coding-DNA position 1228, A replaced by G.
Molecular consequence: intron variant.
Genome position (GRCh38, 1-based): chr12:40,937,691, A>G. VCF-style: chr12-40937691-A-G. GRCh37 (hg19) VCF-style: chr12-41331493-A-G.
Other names: c.1228+4A>G (NM_001256063.2, NM_001256064.2); c.1195+4A>G (NM_175038.2).
Identifiers: ClinVar variation 650489 (VCV000650489.9), dbSNP rs1183511907, ClinGen allele CA604522713.